The following is an entry in ClinVar:

ClinVar aggregate classification (germline): Conflicting classifications of pathogenicity. Review status: criteria provided, conflicting classifications (1 of 4 stars). 7 submissions from 7 submitters: Uncertain significance (3); Likely benign (4). Last evaluated 2026-01-13.

Conditions:
Tuberous sclerosis syndrome (TSC). Also called: Tuberous Sclerosis Complex; Tuberous sclerosis. Identifiers: Orphanet 805, MedGen C0041341, MONDO:0001734.
Hereditary cancer-predisposing syndrome. Also called: Neoplastic Syndromes, Hereditary; Tumor predisposition; Hereditary Cancer Syndrome; Hereditary neoplastic syndrome. Identifiers: Orphanet 140162, MedGen C0027672, MeSH D009386, MONDO:0015356.
Tuberous sclerosis 2 (TSC2). Identifiers: Orphanet 805, MedGen C1860707, MONDO:0013199, OMIM 613254.

Allele frequency attached by ClinVar (database versions not stated): gnomAD 0.00001; gnomAD exomes 0.00001 and 0.00002; TOPMed 0.00001.
gnomAD v4.1: 6 of 1,596,926 alleles (0.00038%); highest among the groups gnomAD compares: East Asian, 0.014%; no homozygotes.

Submissions (7):

Labcorp Genetics (formerly Invitae), Labcorp
Classification: Likely benign for Tuberous sclerosis 2. Last evaluated: 2026-01-13. Review status: criteria provided, single submitter. Criteria: Invitae Variant Classification Sherloc (09022015). Collection method: clinical testing. Allele origin: germline.

Quest Diagnostics Nichols Institute San Juan Capistrano
Classification: Uncertain significance. Last evaluated: 2025-07-10. Review status: criteria provided, single submitter. Criteria: Quest Diagnostics criteria. Collection method: clinical testing. Allele origin: unknown.

Myriad Genetics, Inc.
Classification: Likely benign for Tuberous sclerosis 2. Last evaluated: 2024-08-12. Review status: criteria provided, single submitter. Criteria: Myriad Autosomal Dominant, Autosomal Recessive and X-Linked Classification Criteria (2023). Collection method: clinical testing. Allele origin: unknown.
Comment: This variant is considered likely benign. This variant has been observed at a population frequency that is significantly greater than expected given the associated disease prevalence and penetrance.

All of Us Research Program, National Institutes of Health
Classification: Uncertain significance for Tuberous sclerosis syndrome. Last evaluated: 2024-04-10. Review status: criteria provided, single submitter. Criteria: ACMG Guidelines, 2015. Collection method: clinical testing. Allele origin: germline. Inheritance: Autosomal dominant inheritance. Observed: 1 variant allele, 1 heterozygote.
Comment: This study involves interpretation of variants in research participants for the purpose of population health screening. Participant phenotype was not available at the time of variant classification. Additional details can be found in publication PMID: 35346344, PMCID: PMC8962531

Department of Pathology and Laboratory Medicine, Sinai Health System
Classification: Uncertain significance for Tuberous sclerosis 2. Last evaluated: 2023-09-19. Review status: criteria provided, single submitter. Criteria: ACMG Guidelines, 2015. Collection method: clinical testing. Allele origin: germline. Affected: yes.

Ambry Genetics
Classification: Likely benign for Hereditary cancer-predisposing syndrome. Last evaluated: 2022-11-18. Review status: criteria provided, single submitter. Criteria: Ambry Variant Classification Scheme 2023. Collection method: clinical testing. Allele origin: germline.

Genome-Nilou Lab
Classification: Likely benign for Tuberous sclerosis 2. Last evaluated: 2021-11-07. Review status: criteria provided, single submitter. Criteria: ACMG Guidelines, 2015. Collection method: clinical testing. Allele origin: germline. Affected: no.

NM_000548.5(TSC2):c.1993C>G (p.Pro665Ala)

Gene: TSC2 (TSC complex subunit 2; plus strand). Cytogenetic location: 16p13.3.
Variant type: single nucleotide variant.
Coding change: c.1993C>G on transcript NM_000548.5 (MANE Select); coding-DNA position 1993, C replaced by G.
Protein change: p.Pro665Ala; replaces proline 665 with alanine.
Molecular consequence: missense variant.
Genome position (GRCh38, 1-based): chr16:2,071,830, C>G. VCF-style: chr16-2071830-C-G. GRCh37 (hg19) VCF-style: chr16-2121831-C-G.
Other names: c.1993C>G, p.Pro665Ala (NM_001077183.3, NM_001114382.3, NM_001363528.2 and 3 more transcripts); c.1882C>G, p.Pro628Ala (NM_001318827.2); c.1846C>G, p.Pro616Ala (NM_001318829.2); c.1393C>G, p.Pro465Ala (NM_001318831.2); c.2026C>G, p.Pro676Ala (NM_001318832.2); short protein forms P665A, P465A, P616A, P676A, P628A.
Identifiers: ClinVar variation 536057 (VCV000536057.22), dbSNP rs1184908674, ClinGen allele CA394274414.